The following is an entry in ClinVar:

NM_007363.5(NONO):c.731dup (p.Asn244fs)

Gene: NONO (non-POU domain containing octamer binding; plus strand). Cytogenetic location: Xq13.1.
Variant type: Duplication.
Coding change: c.731dup on transcript NM_007363.5 (MANE Select); coding-DNA position 731, one base duplicated (A; older notation c.731dupA).
Protein change: p.Asn244fs; shifts the reading frame from asparagine 244.
Molecular consequence: frameshift variant.
Genome position (GRCh38, 1-based): chrX:71,296,645, A duplicated; the last of 6 consecutive A bases (chrX:71,296,640-71,296,645); duplicating any one gives the same sequence. VCF-style (leftmost placement, unchanged base first): chrX-71296639-T-TA. GRCh37 (hg19) VCF-style: chrX-70516489-T-TA.
Other names: c.731dup, p.Asn244fs (NM_001145408.2, NM_001145409.2); c.464dup, p.Asn155fs (NM_001145410.2); c.731dup (NM_007363.4); short protein forms N155fs, N244fs.
Identifiers: ClinVar variation 438778 (VCV000438778.2), dbSNP rs1555950011, ClinGen allele CA645509229.
Genomic context (GRCh38, chrX:71,296,639, plus strand): 5'-TGACTGTGGAGCCCATGGACCAGTTAGATGATGAAGAGGGACTTCCAGAGAAGCTGGTTA[T>TA]AAAAAACCAGCAATTTCACAAGTATGCAGTCTTGATAGATTTCCCTATTAGGTGTTTCCT-3'

ClinVar aggregate classification (germline): Pathogenic. Review status: criteria provided, single submitter (1 of 4 stars). 2 submissions from 2 submitters: Pathogenic (1). 1 of the submissions does not count toward it.

Conditions:
Intellectual developmental disorder, X-linked, syndromic 34. Also called: MENTAL RETARDATION, X-LINKED, SYNDROMIC, MIRCSOF-LANGOUET TYPE; Syndromic X-linked intellectual disability 34. Identifiers: Orphanet 466791, MedGen C4225417, MONDO:0010501, OMIM 300967.
Medulloblastoma (MDB). Also called: Medulloblastoma, somatic; MEDULLOBLASTOMA PREDISPOSITION SYNDROME. Identifiers: Orphanet 616, MedGen C0025149, MeSH D008527, MONDO:0007959, OMIM 155255, HP:0002885.

Submissions (2):

Rady Children's Institute for Genomic Medicine, Rady Children's Hospital San Diego
Classification: Pathogenic for Intellectual developmental disorder, X-linked syndromic 34. Review status: criteria provided, single submitter. Criteria: ACMG Guidelines, 2015. Collection method: clinical testing. Allele origin: germline. Affected: yes.
Comment: This frameshifting variant in exon 6 of 12 introduces a premature stop codon and is therefore predicted to result in loss of normal protein function through either protein truncation or nonsense-mediated mRNA decay (NMD). This variant has not been previously reported or functionally characterized in the literature to our knowledge. Loss-of-function variation in NONO is a known mechanism of disease for X-linked syndromic intellectual developmental disorder-34 (MRXS34) (PMID: 26571461, 27329731, 27550220, 32397791). The NONO gene is highly constrained (Z-score= 3.59 and pLI = 0.99), which suggests it is intolerant to variation. The c.731dup (p.Asn244LysfsTer21) variant is absent from the gnomAD population database and thus is presumed to be rare. Analysis of the parental samples was negative for the variant, indicating this variant likely occurred as a de novo event. Based on the available evidence, the c.731dup (p.Asn244LysfsTer21) variant is classified as Pathogenic.

Donald Williams Parsons Laboratory, Baylor College of Medicine
Classification: other for MEDULLOBLASTOMA. Last evaluated: 2016-05-01. Review status: no assertion criteria provided. Collection method: clinical testing. Allele origin: somatic. Inheritance: Somatic mutation. Affected: yes. Study: CSER-BASIC3. Not counted in ClinVar's aggregate classification.

Literature cited by the submitters: PubMed 26822237 (cited by Donald Williams Parsons Laboratory, Baylor College of Medicine).